The following is an entry in ClinVar:

NM_000548.5(TSC2):c.4791G>A (p.Leu1597=)

Gene: TSC2 (TSC complex subunit 2; plus strand). Cytogenetic location: 16p13.3.
Variant type: single nucleotide variant.
Coding change: c.4791G>A on transcript NM_000548.5 (MANE Select); coding-DNA position 4791, G replaced by A.
Protein change: p.Leu1597=; no amino-acid change (leucine 1597 retained).
Molecular consequence: synonymous variant. On other transcripts: non-coding transcript variant (5).
Genome position (GRCh38, 1-based): chr16:2,086,321, G>A. VCF-style: chr16-2086321-G-A. GRCh37 (hg19) VCF-style: chr16-2136322-G-A.
Other names: c.4581G>A, p.Leu1527= (NM_001406671.1); c.4578G>A, p.Leu1526= (NM_001406673.1); c.4575G>A, p.Leu1525= (NM_001406675.1); c.4572G>A, p.Leu1524= (NM_001406676.1); c.4533G>A, p.Leu1511= (NM_001406677.1); c.4479G>A, p.Leu1493= (NM_001406678.1); c.4443G>A, p.Leu1481= (NM_001406679.1); c.4191G>A, p.Leu1397= (NM_001406680.1); and 26 more.
Identifiers: ClinVar variation 2822848 (VCV002822848.8), dbSNP rs1060504112, ClinGen allele CA493043573.

ClinVar aggregate classification (germline): Likely benign. Review status: criteria provided, multiple submitters, no conflicts (2 of 4 stars). 3 submissions from 3 submitters: Likely benign (3). Last evaluated 2026-03-01.

Conditions:
Hereditary cancer-predisposing syndrome. Also called: Hereditary Cancer Syndrome; Hereditary neoplastic syndrome; Neoplastic Syndromes, Hereditary; Tumor predisposition. Identifiers: Orphanet 140162, MedGen C0027672, MeSH D009386, MONDO:0015356.
Tuberous sclerosis 2 (TSC2). Identifiers: Orphanet 805, MedGen C1860707, MONDO:0013199, OMIM 613254.

Submissions (3):

CeGaT Center for Human Genetics Tuebingen
Classification: Likely benign. Last evaluated: 2026-03-01. Review status: criteria provided, single submitter. Criteria: CeGaT Center For Human Genetics Tuebingen Variant Classification Criteria Version 2. Collection method: clinical testing. Allele origin: germline. Affected: yes. Observed: 1 variant allele.
Comment: TSC2: PM2:Supporting, BP4, BP7

Labcorp Genetics (formerly Invitae), Labcorp
Classification: Likely benign for Tuberous sclerosis 2. Last evaluated: 2025-08-04. Review status: criteria provided, single submitter. Criteria: Invitae Variant Classification Sherloc (09022015). Collection method: clinical testing. Allele origin: germline.

Ambry Genetics
Classification: Likely benign for Hereditary cancer-predisposing syndrome. Last evaluated: 2024-12-12. Review status: criteria provided, single submitter. Criteria: Ambry Variant Classification Scheme 2023. Collection method: clinical testing. Allele origin: germline.